The following is an entry in ClinVar:

ClinVar aggregate classification (germline): Uncertain significance. Review status: criteria provided, multiple submitters, no conflicts (2 of 4 stars). 3 submissions from 3 submitters: Uncertain significance (3). Last evaluated 2026-01-26.

Conditions:
Common variable immunodeficiency (CVID). Also called: Common variable hypogamma-globulinemia; Common variable agammaglobulinemia. Identifiers: Orphanet 1572, MedGen C0009447, MONDO:0015517.

Allele frequency attached by ClinVar (database versions not stated): ExAC 0.00001; gnomAD exomes 0.00002 and 0.00004; TOPMed 0.00004; gnomAD 0.00005 and 0.00006.
gnomAD v4.1: 61 of 1,613,594 alleles (0.0038%); highest among the groups gnomAD compares: Middle Eastern, 0.016%; no homozygotes.

Submissions (3):

Labcorp Genetics (formerly Invitae), Labcorp
Classification: Uncertain significance for Common variable immunodeficiency. Last evaluated: 2026-01-26. Review status: criteria provided, single submitter. Criteria: Invitae Variant Classification Sherloc (09022015). Collection method: clinical testing. Allele origin: germline.
Comment: This sequence change replaces arginine, which is basic and polar, with tryptophan, which is neutral and slightly polar, at codon 219 of the TNFSF12 protein (p.Arg219Trp). This variant is present in population databases (rs764236967, gnomAD 0.005%). This variant has not been reported in the literature in individuals affected with TNFSF12-related conditions. ClinVar contains an entry for this variant (Variation ID: 837160). An algorithm developed to predict the effect of missense changes on protein structure and function (PolyPhen-2) suggests that this variant is likely to be disruptive. In summary, the available evidence is currently insufficient to determine the role of this variant in disease. Therefore, it has been classified as a Variant of Uncertain Significance.

Ambry Genetics
Classification: Uncertain significance. Last evaluated: 2022-12-16. Review status: criteria provided, single submitter. Criteria: Ambry Variant Classification Scheme 2023. Collection method: clinical testing. Allele origin: germline.

Breakthrough Genomics
Classification: Uncertain significance. Review status: criteria provided, single submitter. Criteria: ACMG Guidelines, 2015. Collection method: not provided. Allele origin: germline. Inheritance: Unknown mechanism. Affected: yes.

NM_003809.3(TNFSF12):c.655C>T (p.Arg219Trp)

Genes: TNFSF12 (TNF superfamily member 12; plus strand), TNFSF12-TNFSF13 (TNFSF12-TNFSF13 readthrough; plus strand). Cytogenetic location: 17p13.1.
Variant type: single nucleotide variant.
Coding change: c.655C>T on transcript NM_003809.3 (MANE Select); coding-DNA position 655, C replaced by T.
Protein change: p.Arg219Trp; replaces arginine 219 with tryptophan.
Molecular consequence: missense variant. On other transcripts: non-coding transcript variant (1), intron variant (1).
Genome position (GRCh38, 1-based): chr17:7,557,255, C>T. VCF-style: chr17-7557255-C-T. GRCh37 (hg19) VCF-style: chr17-7460572-C-T.
Other names: c.498+353C>T (NM_172089.4); short protein forms R219W.
Identifiers: ClinVar variation 837160 (VCV000837160.12), dbSNP rs764236967, ClinGen allele CA8350894.